The following is an entry in ClinVar:

ClinVar aggregate classification (germline): Likely pathogenic (0 of 4 stars; one submission).

Conditions:
ABCC2-related disorder. Also called: ABCC2-related condition.

gnomAD v4.1: 1 of 1,614,102 alleles (0.000062%); no homozygotes.

Submission:

PreventionGenetics, part of Exact Sciences
Classification: Likely pathogenic for ABCC2-related condition. Last evaluated: 2024-03-23. Review status: no assertion criteria provided. Collection method: clinical testing. Allele origin: germline.
Comment: The ABCC2 c.2996G>A variant is predicted to result in premature protein termination (p.Trp999*). To our knowledge, this variant has not been reported in the literature or in a large population database, indicating this variant is rare. Nonsense variants in ABCC2 are expected to be pathogenic. This variant is interpreted as likely pathogenic.

NM_000392.5(ABCC2):c.2996G>A (p.Trp999Ter)

Gene: ABCC2 (ATP binding cassette subfamily C member 2; plus strand). Cytogenetic location: 10q24.2.
Variant type: single nucleotide variant.
Coding change: c.2996G>A on transcript NM_000392.5 (MANE Select); coding-DNA position 2996, G replaced by A.
Protein change: p.Trp999Ter; replaces tryptophan 999 with a stop codon.
Molecular consequence: nonsense.
Genome position (GRCh38, 1-based): chr10:99,831,723, G>A. VCF-style: chr10-99831723-G-A. GRCh37 (hg19) VCF-style: chr10-101591480-G-A.
Other names: short protein forms W999*.
Identifiers: ClinVar variation 3349470 (VCV003349470.1).